The following is an entry in ClinVar:

NM_007294.4(BRCA1):c.243A>T (p.Gln81His)

Gene: BRCA1 (BRCA1 DNA repair associated; minus strand). Cytogenetic location: 17q21.31.
Variant type: single nucleotide variant.
Coding change: c.243A>T on transcript NM_007294.4 (MANE Select); coding-DNA position 243, A replaced by T.
Protein change: p.Gln81His; replaces glutamine 81 with histidine.
Molecular consequence: missense variant. On other transcripts: non-coding transcript variant (1).
Genome position (GRCh38, 1-based): chr17:43,104,926, T>A on the plus strand (A>T on the coding strand, the complement: BRCA1 is on the minus strand). VCF-style: chr17-43104926-T-A. GRCh37 (hg19) VCF-style: chr17-41256943-T-A.
Other names: c.33A>T, p.Gln11His (NM_001407571.1, NM_001407853.1, NM_001407879.1 and 58 more transcripts); c.243A>T, p.Gln81His (NM_001407581.1, NM_001407582.1, NM_001407583.1 and 168 more transcripts); c.165A>T, p.Gln55His (NM_001407653.1, NM_001407654.1, NM_001407655.1 and 21 more transcripts); c.102A>T, p.Gln34His (NM_001407692.1, NM_001407694.1, NM_001407695.1 and 99 more transcripts); c.-139A>T (NM_001407959.1, NM_001407960.1, NM_001407962.1 and 4 more transcripts); c.111A>T, p.Gln37His (NM_001408451.1); short protein forms Q34H, Q81H, Q11H, Q37H, Q55H.
Identifiers: ClinVar variation 868800 (VCV000868800.4), dbSNP rs863224418, ClinGen allele CA10601670.

ClinVar aggregate classification (germline): Uncertain significance (1 of 4 stars; one submission).

Submissions (2):

Center for Genomic Medicine, Rigshospitalet, Copenhagen University Hospital
Classification: Uncertain significance. Last evaluated: 2025-12-29. Review status: criteria provided, single submitter. Criteria: ACMG Guidelines, 2015. Collection method: clinical testing. Allele origin: germline.
Comment: Classification criteria: BS3, PM2_support

Brotman Baty Institute, University of Washington
No classification provided (evidence only). Condition: Breast-ovarian cancer, familial 1. Review status: no classification provided. Collection method: in vitro. Allele origin: not applicable. Functional consequence: functionally_abnormal. Not counted in ClinVar's aggregate classification.
ClinVar note: "not provided" was previously submitted as the classification for the variant. However, the classification appeared to be based only on an observation of functional data so it was converted to no classification on 2025-07-30.